The following is an entry in ClinVar:

NM_001018111.3(PODXL):c.1108G>A (p.Gly370Ser)

Gene: PODXL (podocalyxin like; minus strand). Cytogenetic location: 7q32.3.
Variant type: single nucleotide variant.
Coding change: c.1108G>A on transcript NM_001018111.3 (MANE Select); coding-DNA position 1108, G replaced by A.
Protein change: p.Gly370Ser; replaces glycine 370 with serine.
Molecular consequence: missense variant.
Genome position (GRCh38, 1-based): chr7:131,506,720, C>T on the plus strand (G>A on the coding strand, the complement: PODXL is on the minus strand). VCF-style: chr7-131506720-C-T. GRCh37 (hg19) VCF-style: chr7-131191479-C-T.
Other names: c.1012G>A, p.Gly338Ser (NM_005397.4); short protein forms G338S, G370S.
Identifiers: ClinVar variation 2042875 (VCV002042875.4), dbSNP rs1797810639, ClinGen allele CA369299994.
Genomic context (GRCh38, chr7:131,506,720, plus strand): 5'-GGTTGAAGGTGGCTTTGACTGCTCGGCATATCAGTGAGATCAATTTCTCATCCGAAGCGC[C>T]CCCTGCCTATGGTGGGGAGAGCGCAGGTGACTCCGCGGGGAGCGTGACAGCAGCCTAGGC-3'
Protein context (NP_001018121.1, residues 360-380): NLTGNTLCAG[Gly370Ser]ASDEKLISLI

ClinVar aggregate classification (germline): Uncertain significance (1 of 4 stars; one submission).

Submission:

Labcorp Genetics (formerly Invitae), Labcorp
Classification: Uncertain significance. Last evaluated: 2021-12-14. Review status: criteria provided, single submitter. Criteria: Invitae Variant Classification Sherloc (09022015). Collection method: clinical testing. Allele origin: germline.
Comment: This variant has not been reported in the literature in individuals affected with PODXL-related conditions. Algorithms developed to predict the effect of missense changes on protein structure and function output the following: SIFT: "Tolerated"; PolyPhen-2: "Benign"; Align-GVGD: "Class C0". The serine amino acid residue is found in multiple mammalian species, which suggests that this missense change does not adversely affect protein function. In summary, the available evidence is currently insufficient to determine the role of this variant in disease. Therefore, it has been classified as a Variant of Uncertain Significance. This sequence change replaces glycine, which is neutral and non-polar, with serine, which is neutral and polar, at codon 338 of the PODXL protein (p.Gly338Ser). This variant is not present in population databases (gnomAD no frequency).